The following is an entry in ClinVar:

ClinVar aggregate classification (germline): Uncertain significance. Review status: criteria provided, multiple submitters, no conflicts (2 of 4 stars). 3 submissions from 3 submitters: Uncertain significance (3). Last evaluated 2025-01-01.

Conditions:
Hypertrophic cardiomyopathy 25 (CMH25). Also called: CARDIOMYOPATHY, FAMILIAL HYPERTROPHIC, 25. Identifiers: MedGen C4225408, MONDO:0011843, OMIM 607487.
Primary familial hypertrophic cardiomyopathy (HCM). Identifiers: Orphanet 99739, MedGen C0949658, MeSH D024741, MONDO:0024573. Inheritance: Various modes of inheritance.
Autosomal recessive limb-girdle muscular dystrophy type 2G (LGMDR7). Also called: Telethoninopathy; MUSCULAR DYSTROPHY, LIMB-GIRDLE, AUTOSOMAL RECESSIVE 7; Limb-girdle muscular dystrophy, type 2G. Identifiers: Orphanet 34514, MedGen C1866008, MONDO:0011170, OMIM 601954.

Allele frequency attached by ClinVar (database versions not stated): gnomAD exomes below 0.00001; TOPMed below 0.00001; gnomAD 0.00001.

Submissions (3):

Labcorp Genetics (formerly Invitae), Labcorp
Classification: Uncertain significance for Hypertrophic cardiomyopathy 25; Primary familial hypertrophic cardiomyopathy. Last evaluated: 2025-01-01. Review status: criteria provided, single submitter. Criteria: Invitae Variant Classification Sherloc (09022015). Collection method: clinical testing. Allele origin: germline.
Comment: This sequence change replaces alanine, which is neutral and non-polar, with aspartic acid, which is acidic and polar, at codon 134 of the TCAP protein (p.Ala134Asp). The frequency data for this variant in the population databases is considered unreliable, as metrics indicate poor data quality at this position in the gnomAD database. This variant has not been reported in the literature in individuals affected with TCAP-related conditions. ClinVar contains an entry for this variant (Variation ID: 191777). An algorithm developed to predict the effect of missense changes on protein structure and function (PolyPhen-2) suggests that this variant is likely to be tolerated. In summary, the available evidence is currently insufficient to determine the role of this variant in disease. Therefore, it has been classified as a Variant of Uncertain Significance.

Fulgent Genetics
Classification: Uncertain significance for Autosomal recessive limb-girdle muscular dystrophy type 2G; Hypertrophic cardiomyopathy 25. Last evaluated: 2021-11-22. Review status: criteria provided, single submitter. Criteria: ACMG Guidelines, 2015. Collection method: clinical testing. Allele origin: unknown.

Biesecker Lab/Clinical Genomics Section, National Institutes of Health
Classification: Uncertain significance. Last evaluated: 2013-06-24. Review status: criteria provided, single submitter. Criteria: Ng et al. (Circ Cardiovasc Genet. 2013). Collection method: research. Allele origin: unknown. Observed: 1 variant allele. Study: ClinSeq.
Comment: The study set was not selected for affection status in relation to any cancer. Pathogenicity categories were based on literature curation. See Pubmed ID:23861362 for details.

Medical sequencing

NM_003673.4(TCAP):c.401C>A (p.Ala134Asp)

Gene: TCAP (titin-cap; plus strand). Cytogenetic location: 17q12.
Variant type: single nucleotide variant.
Coding change: c.401C>A on transcript NM_003673.4 (MANE Select); coding-DNA position 401, C replaced by A.
Protein change: p.Ala134Asp; replaces alanine 134 with aspartic acid.
Molecular consequence: missense variant.
Genome position (GRCh38, 1-based): chr17:39,666,006, C>A. VCF-style: chr17-39666006-C-A. GRCh37 (hg19) VCF-style: chr17-37822259-C-A.
Other names: short protein forms A134D.
Identifiers: ClinVar variation 191777 (VCV000191777.12), dbSNP rs786205287, ClinGen allele CA237513.